The following is an entry in ClinVar:

ClinVar aggregate classification (germline): Uncertain significance. Review status: criteria provided, multiple submitters, no conflicts (2 of 4 stars). 2 submissions from 2 submitters: Uncertain significance (2). Last evaluated 2024-01-24.

Conditions:
ABCA4-related disorder. Also called: ABCA4-related disorders; ABCA4-related condition. Identifiers: MedGen CN239167.

Allele frequency attached by ClinVar (database versions not stated): gnomAD below 0.00001 and 0.00001; ExAC 0.00001; gnomAD exomes 0.00002.
gnomAD v4.1: 12 of 1,607,766 alleles (0.00075%); highest among the groups gnomAD compares: South Asian, 0.013%; no homozygotes.

Submissions (2):

Labcorp Genetics (formerly Invitae), Labcorp
Classification: Uncertain significance. Last evaluated: 2024-01-24. Review status: criteria provided, single submitter. Criteria: Invitae Variant Classification Sherloc (09022015). Collection method: clinical testing. Allele origin: germline.
Comment: This sequence change replaces serine, which is neutral and polar, with asparagine, which is neutral and polar, at codon 1178 of the ABCA4 protein (p.Ser1178Asn). This variant is present in population databases (rs760620913, gnomAD 0.01%). This variant has not been reported in the literature in individuals affected with ABCA4-related conditions. ClinVar contains an entry for this variant (Variation ID: 873900). Advanced modeling of protein sequence and biophysical properties (such as structural, functional, and spatial information, amino acid conservation, physicochemical variation, residue mobility, and thermodynamic stability) performed at Invitae indicates that this missense variant is not expected to disrupt ABCA4 protein function with a negative predictive value of 95%. In summary, the available evidence is currently insufficient to determine the role of this variant in disease. Therefore, it has been classified as a Variant of Uncertain Significance.

Illumina Laboratory Services, Illumina
Classification: Uncertain significance for ABCA4-Related Disorders. Last evaluated: 2017-04-27. Review status: criteria provided, single submitter. Criteria: ICSL Variant Classification Criteria 13 December 2019. Collection method: clinical testing. Allele origin: germline.

NM_000350.3(ABCA4):c.3533G>A (p.Ser1178Asn)

Gene: ABCA4 (ATP binding cassette subfamily A member 4; minus strand). Cytogenetic location: 1p22.1.
Variant type: single nucleotide variant.
Coding change: c.3533G>A on transcript NM_000350.3 (MANE Select); coding-DNA position 3533, G replaced by A.
Protein change: p.Ser1178Asn; replaces serine 1178 with asparagine.
Molecular consequence: missense variant.
Genome position (GRCh38, 1-based): chr1:94,040,117, C>T on the plus strand (G>A on the coding strand, the complement: ABCA4 is on the minus strand). VCF-style: chr1-94040117-C-T. GRCh37 (hg19) VCF-style: chr1-94505673-C-T.
Other names: c.3311G>A, p.Ser1104Asn (NM_001425324.1); short protein forms S1178N, S1104N.
Identifiers: ClinVar variation 873900 (VCV000873900.10), dbSNP rs760620913, ClinGen allele CA957901.
Genomic context (GRCh38, chr1:94,040,117, plus strand): 5'-TCTGGAGTTAGGTCATCGACGTGGGCTGGACACGTGGTGGAGAAACCCTTAGACGAGCAG[C>T]TGCAGGTCCCCTGCAACAGATGGATGGGATGACTGACAAGATGCACATCCCTTCCATGAC-3'
Protein context (NP_000341.2, residues 1168-1188): SQRKGSEGTC[Ser1178Asn]CSSKGFSTTC